The following is an entry in ClinVar:

NM_000540.3(RYR1):c.13388C>T (p.Ala4463Val)

Gene: RYR1 (ryanodine receptor 1; plus strand). Cytogenetic location: 19q13.2.
Variant type: single nucleotide variant.
Coding change: c.13388C>T on transcript NM_000540.3 (MANE Select); coding-DNA position 13388, C replaced by T.
Protein change: p.Ala4463Val; replaces alanine 4463 with valine.
Molecular consequence: missense variant.
Genome position (GRCh38, 1-based): chr19:38,565,722, C>T. VCF-style: chr19-38565722-C-T. GRCh37 (hg19) VCF-style: chr19-39056362-C-T.
Other names: c.13373C>T, p.Ala4458Val (NM_001042723.2); c.13388C>T (NM_000540.2); short protein forms A4463V, A4458V.
Identifiers: ClinVar variation 808568 (VCV000808568.48), dbSNP rs1350916629, ClinGen allele CA405675487.

ClinVar aggregate classification (germline): Conflicting classifications of pathogenicity. Review status: criteria provided, conflicting classifications (1 of 4 stars). 4 submissions from 4 submitters: Uncertain significance (3); Likely benign (1). Last evaluated 2025-02-10.

Conditions:
RYR1-related disorder. Also called: RYR1-related condition; RYR1-related disorders. Identifiers: MedGen CN239331.

Allele frequency attached by ClinVar (database versions not stated): TOPMed 0.00001.
gnomAD v4.1: 7 of 1,429,444 alleles (0.00049%); highest among the groups gnomAD compares: South Asian, 0.0043%; no homozygotes.

Submissions (4):

Labcorp Genetics (formerly Invitae), Labcorp
Classification: Uncertain significance for RYR1-related disorder. Last evaluated: 2025-02-10. Review status: criteria provided, single submitter. Criteria: Invitae Variant Classification Sherloc (09022015). Collection method: clinical testing. Allele origin: germline.
Comment: This sequence change replaces alanine, which is neutral and non-polar, with valine, which is neutral and non-polar, at codon 4463 of the RYR1 protein (p.Ala4463Val). The frequency data for this variant in the population databases is considered unreliable, as metrics indicate poor data quality at this position in the gnomAD database. This missense change has been observed in individual(s) with autosomal dominant RYR1-related conditions (internal data). ClinVar contains an entry for this variant (Variation ID: 808568). Invitae Evidence Modeling of protein sequence and biophysical properties (such as structural, functional, and spatial information, amino acid conservation, physicochemical variation, residue mobility, and thermodynamic stability) indicates that this missense variant is not expected to disrupt RYR1 protein function with a negative predictive value of 80%. In summary, the available evidence is currently insufficient to determine the role of this variant in disease. Therefore, it has been classified as a Variant of Uncertain Significance.

GeneDx
Classification: Uncertain significance. Last evaluated: 2024-09-11. Review status: criteria provided, single submitter. Criteria: GeneDx Variant Classification Process June 2021. Collection method: clinical testing. Allele origin: germline. Affected: yes.
Comment: In silico analysis indicates that this missense variant does not alter protein structure/function; Has not been previously published as pathogenic or benign to our knowledge

Revvity Omics, Revvity
Classification: Uncertain significance. Last evaluated: 2024-05-14. Review status: criteria provided, single submitter. Criteria: ACMG Guidelines, 2015. Collection method: clinical testing. Allele origin: germline.

CeGaT Center for Human Genetics Tuebingen
Classification: Likely benign. Last evaluated: 2017-08-01. Review status: criteria provided, single submitter. Criteria: CeGaT Center For Human Genetics Tuebingen Variant Classification Criteria Version 2. Collection method: clinical testing. Allele origin: germline. Affected: yes. Observed: 1 variant allele.